The following is an entry in ClinVar:

ClinVar aggregate classification (germline): Uncertain significance (1 of 4 stars; one submission).

Conditions:
Thrombocytopenia, anemia, and myelofibrosis (THAMY). Identifiers: MedGen C4479504, MONDO:0044316, OMIM 617441.

Submissions (2):

St. Jude Molecular Pathology, St. Jude Children's Research Hospital
Classification: Uncertain significance for Thrombocytopenia, anemia, and myelofibrosis. Last evaluated: 2024-08-05. Review status: criteria provided, single submitter. Criteria: St. Jude Assertion Criteria 2020. Collection method: clinical testing. Allele origin: germline.
Comment: The MPIG6B c.592A>G (p.Ser198Gly) missense change a maximum subpopulation frequency of 0.031% in gnomAD v2.1.1. The in silico tool REVEL predicts a benign effect on protein function, but to our knowledge this prediction has not been confirmed by functional studies. To our knowledge, this variant has not been reported in individuals with MPIG6B-related conditions. In summary, the evidence currently available is insufficient to determine the clinical significance of this variant. It has therefore been classified as of uncertain significance.

Dr. Peter K. Rogan Lab, Western University
No classification provided (evidence only). Condition: Thyroid cancer, nonmedullary, 1. Review status: no classification provided. Collection method: in vitro. Allele origin: not applicable. Functional consequence: retained intron. Not counted in ClinVar's aggregate classification.

NM_138272.3(MPIG6B):c.573A>G (p.Pro191=)

Gene: MPIG6B (megakaryocyte and platelet inhibitory receptor G6b; plus strand). Cytogenetic location: 6p21.33.
Variant type: single nucleotide variant.
Coding change: c.573A>G on transcript NM_138272.3 (MANE Select); coding-DNA position 573, A replaced by G.
Protein change: p.Pro191=; no amino-acid change (proline 191 retained).
Molecular consequence: synonymous variant. On other transcripts: missense variant (3).
Genome position (GRCh38, 1-based): chr6:31,724,796, A>G. VCF-style: chr6-31724796-A-G. GRCh37 (hg19) VCF-style: chr6-31692573-A-G.
Other names: NC_000006.11:g.31692573A>G; c.592A>G, p.Ser198Gly (NM_025260.4, NM_138277.3); c.501A>G, p.Pro167= (NM_138273.3); c.460A>G, p.Ser154Gly (NM_138274.3); c.441A>G, p.Pro147= (NM_138275.3); short protein forms S154G, S198G.
Identifiers: ClinVar variation 3602678 (VCV003602678.2).